The following is an entry in ClinVar:

NM_000497.4(CYP11B1):c.1144C>T (p.Leu382=)

Genes: CYP11B1 (cytochrome P450 family 11 subfamily B member 1; minus strand), LOC106799833 (CYP11B1 recombination region; plus strand). Cytogenetic location: 8q24.3.
Variant type: single nucleotide variant.
Coding change: c.1144C>T on transcript NM_000497.4 (MANE Select); coding-DNA position 1144, C replaced by T.
Protein change: p.Leu382=; no amino-acid change (leucine 382 retained).
Molecular consequence: synonymous variant.
Genome position (GRCh38, 1-based): chr8:142,875,290, G>A on the plus strand (C>T on the coding strand, the complement: CYP11B1 is on the minus strand). VCF-style: chr8-142875290-G-A. GRCh37 (hg19) VCF-style: chr8-143956706-G-A.
Other names: p.Leu382=; c.1144C>T, p.Leu382= (NM_001026213.1).
Identifiers: ClinVar variation 35985 (VCV000035985.24), dbSNP rs5293, ClinGen allele CA213658.

ClinVar aggregate classification (germline): Conflicting classifications of pathogenicity. Review status: criteria provided, conflicting classifications (1 of 4 stars). 7 submissions from 6 submitters: Uncertain significance (1); Benign (2); Likely benign (4). Last evaluated 2026-01-09.

Conditions:
Congenital adrenal hyperplasia. Identifiers: Orphanet 418, MedGen C0001627, MONDO:0018479, HP:0008258.
Glucocorticoid-remediable aldosteronism. Also called: GLUCOCORTICOID-SUPPRESSIBLE HYPERALDOSTERONISM; Hyperaldosteronism, familial, type I; ACTH-DEPENDENT HYPERALDOSTERONISM SYNDROME; ALDOSTERONISM, SENSITIVE TO DEXAMETHASONE; FH I. Identifiers: Orphanet 403, MedGen C3838731, MONDO:0007080, OMIM 103900.
Deficiency of steroid 11-beta-monooxygenase (CYP11B1). Also called: Congenital adrenal hyperplasia due to 11-beta-hydroxylase deficiency; 11-BETA-HYDROXYLASE DEFICIENCY; ADRENAL HYPERPLASIA IV; P450C11B1 DEFICIENCY; STEROID 11-BETA-HYDROXYLASE DEFICIENCY; ADRENAL HYPERPLASIA, CONGENITAL, DUE TO STEROID 11-BETA-HYDROXYLASE DEFICIENCY. Identifiers: Orphanet 90795, MedGen C0268292, MONDO:0008729, OMIM 202010. Disease mechanism: loss of function.

Allele frequency attached by ClinVar (database versions not stated): gnomAD exomes 0.00007; ExAC 0.00055; 1000 Genomes Project 0.00280.

Submissions (7):

Labcorp Genetics (formerly Invitae), Labcorp
Classification: Likely benign. Last evaluated: 2026-01-09. Review status: criteria provided, single submitter. Criteria: Invitae Variant Classification Sherloc (09022015). Collection method: clinical testing. Allele origin: germline.

Mayo Clinic Laboratories, Mayo Clinic
Classification: Likely benign. Last evaluated: 2025-02-10. Review status: criteria provided, single submitter. Criteria: ACMG Guidelines, 2015. Collection method: clinical testing. Allele origin: germline. Observed: 2 variant alleles.
Comment: BP4, BP7

Blueprint Genetics
Classification: Likely benign. Last evaluated: 2024-06-21. Review status: criteria provided, single submitter. Criteria: ACMG Guidelines, 2015. Collection method: clinical testing. Allele origin: germline.

Department of Human Genetics, Laborarztpraxis Dres. Walther, Weindel und Kollegen
Classification: Likely benign for Deficiency of steroid 11-beta-monooxygenase. Last evaluated: 2020-04-20. Review status: criteria provided, single submitter. Criteria: ACMG Guidelines, 2015. Collection method: clinical testing. Allele origin: germline. Affected: yes.
Comment: Although there is insufficient information on this variant, it is classified as likely benign because it does not alter an amino acid residue.

Illumina Laboratory Services, Illumina
Classification: Uncertain significance for Deficiency of steroid 11-beta-monooxygenase. Last evaluated: 2018-01-13. Review status: criteria provided, single submitter. Criteria: ICSL Variant Classification Criteria 13 December 2019. Collection method: clinical testing. Allele origin: germline.

Illumina Laboratory Services, Illumina
Classification: Benign for Glucocorticoid-remediable aldosteronism. Last evaluated: 2018-01-13. Review status: criteria provided, single submitter. Criteria: ICSL Variant Classification Criteria 13 December 2019. Collection method: clinical testing. Allele origin: germline.
Comment: This variant was observed in the ICSL laboratory as part of a predisposition screen in an ostensibly healthy population. It had not been previously curated by ICSL or reported in the Human Gene Mutation Database (HGMD: prior to June 1st, 2018), and was therefore a candidate for classification through an automated scoring system. Utilizing variant allele frequency, disease prevalence and penetrance estimates, and inheritance mode, an automated score was calculated to assess if this variant is too frequent to cause the disease. Based on the score and internal cut-off values, a variant classified as benign is not then subjected to further curation. The score for this variant resulted in a classification of benign for this disease.

Women's Health and Genetics/Laboratory Corporation of America, LabCorp
Classification: Benign for Congenital Adrenal Hyperplasia. Last evaluated: 2011-08-18. Review status: criteria provided, single submitter. Criteria: LabCorp Variant Classification Summary - May 2015. Collection method: curation, clinical testing. Allele origin: germline. Inheritance: autosomal unknown. Affected: yes.
ClinVar note: Converted during submission from benign to Benign.